The following is an entry in ClinVar:

NM_004525.3(LRP2):c.12811+12G>A

Gene: LRP2 (LDL receptor related protein 2; minus strand). Cytogenetic location: 2q31.1.
Variant type: single nucleotide variant.
Coding change: c.12811+12G>A on transcript NM_004525.3 (MANE Select); 12 bases into the intron after coding-DNA position 12811, G replaced by A.
Molecular consequence: intron variant.
Genome position (GRCh38, 1-based): chr2:169,146,727, C>T on the plus strand (G>A on the coding strand, the complement: LRP2 is on the minus strand). VCF-style: chr2-169146727-C-T. GRCh37 (hg19) VCF-style: chr2-170003237-C-T.
Identifiers: ClinVar variation 332077 (VCV000332077.17), dbSNP rs112157558, ClinGen allele CA1952739.

ClinVar aggregate classification (germline): Benign/Likely benign. Review status: criteria provided, multiple submitters, no conflicts (2 of 4 stars). 5 submissions from 5 submitters: Benign (4); Likely benign (1). Last evaluated 2026-02-04.

Conditions:
Donnai-Barrow syndrome. Also called: DBS/FOAR SYNDROME; FACIOOCULOACOUSTICORENAL SYNDROME. Identifiers: Orphanet 2143, MedGen C1857277, MONDO:0009104, OMIM 222448.

Allele frequency attached by ClinVar (database versions not stated): gnomAD exomes 0.00061 and 0.00161; ExAC 0.00197; gnomAD 0.00659 and 0.00710; 1000 Genomes Project 30x 0.00718; 1000 Genomes Project 0.00719; TOPMed 0.00748; ESP Exome Variant Server 0.00754.
gnomAD v4.1: 1,922 of 1,586,212 alleles (0.12%); highest among the groups gnomAD compares: African/African-American, 2.3%; 20 homozygotes.

Submissions (5):

Labcorp Genetics (formerly Invitae), Labcorp
Classification: Benign. Last evaluated: 2026-02-04. Review status: criteria provided, single submitter. Criteria: Invitae Variant Classification Sherloc (09022015). Collection method: clinical testing. Allele origin: germline.

Blueprint Genetics
Classification: Likely benign. Last evaluated: 2024-09-23. Review status: criteria provided, single submitter. Criteria: ACMG Guidelines, 2015. Collection method: clinical testing. Allele origin: germline.

Genome-Nilou Lab
Classification: Benign for Donnai-Barrow syndrome. Last evaluated: 2021-07-15. Review status: criteria provided, single submitter. Criteria: ACMG Guidelines, 2015. Collection method: clinical testing. Allele origin: germline. Affected: no.

Illumina Laboratory Services, Illumina
Classification: Benign for Donnai-Barrow syndrome. Last evaluated: 2018-01-12. Review status: criteria provided, single submitter. Criteria: ICSL Variant Classification Criteria 13 December 2019. Collection method: clinical testing. Allele origin: germline.
Comment: This variant was observed in the ICSL laboratory as part of a predisposition screen in an ostensibly healthy population. It had not been previously curated by ICSL or reported in the Human Gene Mutation Database (HGMD: prior to June 1st, 2018), and was therefore a candidate for classification through an automated scoring system. Utilizing variant allele frequency, disease prevalence and penetrance estimates, and inheritance mode, an automated score was calculated to assess if this variant is too frequent to cause the disease. Based on the score and internal cut-off values, a variant classified as benign is not then subjected to further curation. The score for this variant resulted in a classification of benign for this disease.

Breakthrough Genomics
Classification: Benign. Review status: criteria provided, single submitter. Criteria: ACMG Guidelines, 2015. Collection method: not provided. Allele origin: germline. Inheritance: Autosomal recessive inheritance. Affected: yes.